The following is an entry in ClinVar:

ClinVar aggregate classification (germline): Uncertain significance (1 of 4 stars; one submission).

Allele frequency attached by ClinVar (database versions not stated): ExAC 0.00001.
gnomAD v4.1: 2 of 1,611,468 alleles (0.00012%); highest among the groups gnomAD compares: Non-Finnish European, 0.00017%; no homozygotes.

Submission:

Labcorp Genetics (formerly Invitae), Labcorp
Classification: Uncertain significance. Last evaluated: 2022-06-28. Review status: criteria provided, single submitter. Criteria: Invitae Variant Classification Sherloc (09022015). Collection method: clinical testing. Allele origin: germline.
Comment: This sequence change replaces valine, which is neutral and non-polar, with isoleucine, which is neutral and non-polar, at codon 588 of the ACO2 protein (p.Val588Ile). In summary, the available evidence is currently insufficient to determine the role of this variant in disease. Therefore, it has been classified as a Variant of Uncertain Significance. Algorithms developed to predict the effect of missense changes on protein structure and function (SIFT, PolyPhen-2, Align-GVGD) all suggest that this variant is likely to be tolerated. This variant has not been reported in the literature in individuals affected with ACO2-related conditions. This variant is present in population databases (rs773950353, gnomAD 0.0009%).

NM_001098.3(ACO2):c.1762G>A (p.Val588Ile)

Genes: ACO2 (aconitase 2; plus strand), POLR3H (RNA polymerase III subunit H; minus strand). Cytogenetic location: 22q13.2.
Variant type: single nucleotide variant.
Coding change: c.1762G>A on transcript NM_001098.3 (MANE Select); coding-DNA position 1762, G replaced by A.
Protein change: p.Val588Ile; replaces valine 588 with isoleucine.
Molecular consequence: missense variant. On other transcripts: 3 prime UTR variant (5).
Genome position (GRCh38, 1-based): chr22:41,526,262, G>A. VCF-style: chr22-41526262-G-A. GRCh37 (hg19) VCF-style: chr22-41922266-G-A.
Other names: c.*3021C>T (NM_001018050.4, NM_001018052.4, NM_001282884.2 and 2 more transcripts); short protein forms V588I.
Identifiers: ClinVar variation 1975810 (VCV001975810.5), dbSNP rs773950353, ClinGen allele CA10257783.